The following is an entry in ClinVar:

ClinVar aggregate classification (germline): Conflicting classifications of pathogenicity. Review status: criteria provided, conflicting classifications (1 of 4 stars). 9 submissions from 7 submitters: Uncertain significance (3); Benign (1); Likely benign (5). Last evaluated 2025-10-21.

Conditions:
SPTA1-related disorder. Also called: SPTA1-related disorders; SPTA1-related condition.
Hereditary spherocytosis type 3. Also called: Spherocytosis type 3; SPTA1-Related Spherocytosis. Identifiers: Orphanet 822, MedGen C2678338, MONDO:0010053, OMIM 270970.
Pyropoikilocytosis, hereditary. Also called: Pyropoikilocytosis. Identifiers: MedGen C0520739, MONDO:0009948, OMIM 266140, HP:0004839. Disease mechanism: loss of function.
Elliptocytosis 2 (EL2). Also called: ELLIPTOCYTOSIS, RHESUS-UNLINKED TYPE. Identifiers: Orphanet 288, MedGen C1851741, MONDO:0007533, OMIM 130600.

Allele frequency attached by ClinVar (database versions not stated): gnomAD exomes 0.00008 and 0.00020; ExAC 0.00027; 1000 Genomes Project 0.00060; 1000 Genomes Project 30x 0.00062; ESP Exome Variant Server 0.00066; gnomAD 0.00087 and 0.00091; TOPMed 0.00089.
gnomAD v4.1: 273 of 1,614,178 alleles (0.017%); highest among the groups gnomAD compares: African/African-American, 0.31%; no homozygotes.

Submissions (9):

Labcorp Genetics (formerly Invitae), Labcorp
Classification: Benign. Last evaluated: 2025-10-21. Review status: criteria provided, single submitter. Criteria: Invitae Variant Classification Sherloc (09022015). Collection method: clinical testing. Allele origin: germline.

PreventionGenetics, part of Exact Sciences
Classification: Likely benign for SPTA1-related condition. Last evaluated: 2024-12-07. Review status: criteria provided, single submitter. Criteria: ACMG Guidelines, 2015. Collection method: clinical testing. Allele origin: germline.
Comment: This variant is classified as likely benign based on ACMG/AMP sequence variant interpretation guidelines (Richards et al. 2015 PMID: 25741868, with internal and published modifications).

Revvity Omics, Revvity
Classification: Uncertain significance. Last evaluated: 2024-11-25. Review status: criteria provided, single submitter. Criteria: ACMG Guidelines, 2015. Collection method: clinical testing. Allele origin: germline.

CeGaT Center for Human Genetics Tuebingen
Classification: Likely benign. Last evaluated: 2024-09-01. Review status: criteria provided, single submitter. Criteria: CeGaT Center For Human Genetics Tuebingen Variant Classification Criteria Version 2. Collection method: clinical testing. Allele origin: germline. Affected: yes. Observed: 1 variant allele.
Comment: SPTA1: BP4, BP7

ARUP Laboratories, Molecular Genetics and Genomics, ARUP Laboratories
Classification: Likely benign. Last evaluated: 2024-01-31. Review status: criteria provided, single submitter. Criteria: ARUP Molecular Germline Variant Investigation Process 2024. Collection method: clinical testing. Allele origin: germline.

Blueprint Genetics
Classification: Likely benign. Last evaluated: 2022-06-03. Review status: criteria provided, single submitter. Criteria: ACMG Guidelines, 2015. Collection method: clinical testing. Allele origin: germline.

Illumina Laboratory Services, Illumina
Classification: Uncertain significance for Pyropoikilocytosis, hereditary. Last evaluated: 2018-01-13. Review status: criteria provided, single submitter. Criteria: ICSL Variant Classification Criteria 13 December 2019. Collection method: clinical testing. Allele origin: germline.

Illumina Laboratory Services, Illumina
Classification: Likely benign for Elliptocytosis 2. Last evaluated: 2018-01-13. Review status: criteria provided, single submitter. Criteria: ICSL Variant Classification Criteria 13 December 2019. Collection method: clinical testing. Allele origin: germline.
Comment: This variant was observed in the ICSL laboratory as part of a predisposition screen in an ostensibly healthy population. It had not been previously curated by ICSL or reported in the Human Gene Mutation Database (HGMD: prior to June 1st, 2018), and was therefore a candidate for classification through an automated scoring system. Utilizing variant allele frequency, disease prevalence and penetrance estimates, and inheritance mode, an automated score was calculated to assess if this variant is too frequent to cause the disease. Based on the score and internal cut-off values, a variant classified as likely benign is not then subjected to further curation. The score for this variant resulted in a classification of likely benign for this disease.

Illumina Laboratory Services, Illumina
Classification: Uncertain significance for Hereditary spherocytosis type 3. Last evaluated: 2018-01-13. Review status: criteria provided, single submitter. Criteria: ICSL Variant Classification Criteria 13 December 2019. Collection method: clinical testing. Allele origin: germline.

NM_003126.4(SPTA1):c.5457A>G (p.Leu1819=)

Gene: SPTA1 (spectrin alpha, erythrocytic 1; minus strand). Cytogenetic location: 1q23.1.
Variant type: single nucleotide variant.
Coding change: c.5457A>G on transcript NM_003126.4 (MANE Select); coding-DNA position 5457, A replaced by G.
Protein change: p.Leu1819=; no amino-acid change (leucine 1819 retained).
Molecular consequence: synonymous variant.
Genome position (GRCh38, 1-based): chr1:158,634,651, T>C on the plus strand (A>G on the coding strand, the complement: SPTA1 is on the minus strand). VCF-style: chr1-158634651-T-C. GRCh37 (hg19) VCF-style: chr1-158604441-T-C.
Identifiers: ClinVar variation 741540 (VCV000741540.33), dbSNP rs186994154, ClinGen allele CA1182285.
Genomic context (GRCh38, chr1:158,634,651, plus strand): 5'-ATTCTTTTCATTGATCCAAGCTTCCTCTTCCTCAGCATTCTGCATGAATTGCAAGTATTC[T>C]AGGGATTCTTCCAACTTAAGTCCTCTATAACAAGGTGGCAAGCCCCAGTGAGGATAAGAA-3'
Protein context (NP_003117.2, residues 1809-1829): KARGLKLEES[Leu1819=]EYLQFMQNAE